The following is an entry in ClinVar:

ClinVar aggregate classification (germline): Uncertain significance (1 of 4 stars; one submission).

Submission:

Labcorp Genetics (formerly Invitae), Labcorp
Classification: Uncertain significance. Last evaluated: 2025-02-02. Review status: criteria provided, single submitter. Criteria: Invitae Variant Classification Sherloc (09022015). Collection method: clinical testing. Allele origin: germline.
Comment: This variant, c.3081_3086del, results in the deletion of 2 amino acid(s) of the ADNP protein (p.Trp1028_Lys1029del), but otherwise preserves the integrity of the reading frame. This variant is not present in population databases (gnomAD no frequency). This variant has not been reported in the literature in individuals affected with ADNP-related conditions. Experimental studies and prediction algorithms are not available or were not evaluated, and the functional significance of this variant is currently unknown. In summary, the available evidence is currently insufficient to determine the role of this variant in disease. Therefore, it has been classified as a Variant of Uncertain Significance.

NM_001282531.3(ADNP):c.3081_3086del (p.Trp1028_Lys1029del)

Gene: ADNP (activity dependent neuroprotector homeobox; minus strand). Cytogenetic location: 20q13.13.
Variant type: Deletion.
Coding change: c.3081_3086del on transcript NM_001282531.3 (MANE Select); coding-DNA positions 3081 to 3086, 6 bases deleted (ATGGAA; older notation c.3081_3086delATGGAA).
Protein change: p.Trp1028_Lys1029del.
Molecular consequence: inframe deletion.
Genome position (GRCh38, 1-based): chr20:50,891,628-50,891,633, TTCCAT deleted on the plus strand (ATGGAA on the coding strand, the reverse complement: ADNP is on the minus strand); deleting any 6 consecutive bases within chr20:50,891,628-50,891,636 gives the same sequence; the c. name uses the placement nearest the transcript's 3' end. VCF-style (leftmost placement, unchanged base first): chr20-50891627-CTTCCAT-C. GRCh37 (hg19) VCF-style: chr20-49508164-CTTCCAT-C.
Other names: c.3081_3086del, p.Trp1028_Lys1029del (NM_001282532.2, NM_001347511.2, NM_015339.5 and 1 more transcripts); c.3297_3302del, p.Trp1100_Lys1101del (NM_001439000.1); c.2397_2402del, p.Trp800_Lys801del (NM_001439001.1).
Identifiers: ClinVar variation 4712164 (VCV004712164.1).